The following is an entry in ClinVar:

ClinVar aggregate classification (germline): Uncertain significance. Review status: criteria provided, multiple submitters, no conflicts (2 of 4 stars). 2 submissions from 2 submitters: Uncertain significance (2). Last evaluated 2022-08-10.

Conditions:
Inborn genetic diseases. Identifiers: MedGen C0950123, MeSH D030342.

Allele frequency attached by ClinVar (database versions not stated): gnomAD exomes 0.00001.
gnomAD v4.1: 14 of 1,613,678 alleles (0.00087%); highest among the groups gnomAD compares: African/African-American, 0.0013%; no homozygotes.

Submissions (2):

Labcorp Genetics (formerly Invitae), Labcorp
Classification: Uncertain significance. Last evaluated: 2022-08-10. Review status: criteria provided, single submitter. Criteria: Invitae Variant Classification Sherloc (09022015). Collection method: clinical testing. Allele origin: germline.
Comment: This sequence change replaces valine, which is neutral and non-polar, with isoleucine, which is neutral and non-polar, at codon 1727 of the ADGRV1 protein (p.Val1727Ile). This variant is not present in population databases (gnomAD no frequency). This variant has not been reported in the literature in individuals affected with ADGRV1-related conditions. Algorithms developed to predict the effect of missense changes on protein structure and function output the following: SIFT: "Tolerated"; PolyPhen-2: "Probably Damaging"; Align-GVGD: "Class C0". The isoleucine amino acid residue is found in multiple mammalian species, which suggests that this missense change does not adversely affect protein function. In summary, the available evidence is currently insufficient to determine the role of this variant in disease. Therefore, it has been classified as a Variant of Uncertain Significance.

Ambry Genetics
Classification: Uncertain significance for Inborn genetic diseases. Last evaluated: 2021-08-02. Review status: criteria provided, single submitter. Criteria: Ambry Variant Classification Scheme 2023. Collection method: clinical testing. Allele origin: germline.

NM_032119.4(ADGRV1):c.5179G>A (p.Val1727Ile)

Gene: ADGRV1 (adhesion G protein-coupled receptor V1; plus strand). Cytogenetic location: 5q14.3.
Variant type: single nucleotide variant.
Coding change: c.5179G>A on transcript NM_032119.4 (MANE Select); coding-DNA position 5179, G replaced by A.
Protein change: p.Val1727Ile; replaces valine 1727 with isoleucine.
Molecular consequence: missense variant. On other transcripts: non-coding transcript variant (1).
Genome position (GRCh38, 1-based): chr5:90,675,311, G>A. VCF-style: chr5-90675311-G-A. GRCh37 (hg19) VCF-style: chr5-89971128-G-A.
Other names: short protein forms V1727I.
Identifiers: ClinVar variation 2115669 (VCV002115669.2), dbSNP rs758765037, ClinGen allele CA3339511.